The following is an entry in ClinVar:

NM_000321.3(RB1):c.412A>G (p.Ile138Val)

Gene: RB1 (RB transcriptional corepressor 1; plus strand). Cytogenetic location: 13q14.2.
Variant type: single nucleotide variant.
Coding change: c.412A>G on transcript NM_000321.3 (MANE Select); coding-DNA position 412, A replaced by G.
Protein change: p.Ile138Val; replaces isoleucine 138 with valine.
Molecular consequence: missense variant.
Genome position (GRCh38, 1-based): chr13:48,345,111, A>G. VCF-style: chr13-48345111-A-G. GRCh37 (hg19) VCF-style: chr13-48919247-A-G.
Other names: c.412A>G, p.Ile138Val (NM_001407165.1, NM_001407166.1); short protein forms I138V.
Identifiers: ClinVar variation 4543847 (VCV004543847.1).

ClinVar aggregate classification (germline): Uncertain significance (1 of 4 stars; one submission).

Conditions:
Hereditary cancer-predisposing syndrome. Also called: Tumor predisposition; Hereditary Cancer Syndrome; Hereditary neoplastic syndrome; Neoplastic Syndromes, Hereditary. Identifiers: Orphanet 140162, MedGen C0027672, MeSH D009386, MONDO:0015356.

Submission:

Ambry Genetics
Classification: Uncertain significance for Hereditary cancer-predisposing syndrome. Last evaluated: 2025-09-28. Review status: criteria provided, single submitter. Criteria: Ambry Variant Classification Scheme 2023. Collection method: clinical testing. Allele origin: germline.
Comment: The p.I138V variant (also known as c.412A>G), located in coding exon 4 of the RB1 gene, results from an A to G substitution at nucleotide position 412. The isoleucine at codon 138 is replaced by valine, an amino acid with highly similar properties. This amino acid position is conserved. In addition, this alteration is predicted to be tolerated by in silico analysis. Based on the available evidence, the clinical significance of this variant remains unclear.